The following is an entry in ClinVar:

ClinVar aggregate classification (germline): Pathogenic/Likely pathogenic. Review status: criteria provided, multiple submitters, no conflicts (2 of 4 stars). 3 submissions from 3 submitters: Pathogenic (2); Likely pathogenic (1). Last evaluated 2022-02-24.

Conditions:
Schinzel-Giedion syndrome (SGS). Identifiers: Orphanet 798, MedGen C0265227, MONDO:0010010, OMIM 269150.
Intellectual developmental disorder, autosomal dominant 29. Also called: SETBP1 Haploinsufficiency Disorder; Intellectual disability, autosomal dominant 29. Identifiers: Orphanet 436151, MedGen C4015141, MONDO:0014482, OMIM 616078.

Submissions (3):

Labcorp Genetics (formerly Invitae), Labcorp
Classification: Pathogenic. Last evaluated: 2022-02-24. Review status: criteria provided, single submitter. Criteria: Invitae Variant Classification Sherloc (09022015). Collection method: clinical testing. Allele origin: germline.
Comment: For these reasons, this variant has been classified as Pathogenic. ClinVar contains an entry for this variant (Variation ID: 817491). This variant has not been reported in the literature in individuals affected with SETBP1-related conditions. This variant is not present in population databases (gnomAD no frequency). This sequence change creates a premature translational stop signal (p.Lys673Glufs*33) in the SETBP1 gene. It is expected to result in an absent or disrupted protein product. Loss-of-function variants in SETBP1 are known to be pathogenic (PMID: 21037274, 25217958).

GeneDx
Classification: Likely pathogenic. Last evaluated: 2019-03-14. Review status: criteria provided, single submitter. Criteria: GeneDx Variant Classification (06012015). Collection method: clinical testing. Allele origin: germline. Affected: yes.
Comment: The c.2017_2018delAA variant has not been published as a pathogenic variant, nor has it been reported as a benign variant to our knowledge. The c.2017_2018delAA variant causes a frameshift starting with codon Lysine 673, changes this amino acid to a Glutamic acid residue and creates a premature Stop codon at position 33 of the new reading frame, denoted p.Lys673GlufsX33. This variant is predicted to cause loss of normal protein function either through protein truncation or nonsense-mediated mRNA decay. Furthermore, the c.2017_2018delAA variant is not observed in large population cohorts (Lek et al., 2016). Therefore, this variant is likely pathogenic; however, the possibility that it is benign cannot be excluded.

Juno Genomics, Hangzhou Juno Genomics, Inc
Classification: Pathogenic for Schinzel-Giedion syndrome; Intellectual developmental disorder, autosomal dominant 29. Review status: criteria provided, single submitter. Criteria: ACMG Guidelines, 2015. Collection method: clinical testing. Allele origin: germline. Affected: yes.
Comment: Absent from controls (or at extremely low frequency if recessive) in Genome Aggregation Database.;De novo (both maternity and paternity confirmed) in a patient with the disease and no family history.;Null variant in a gene where loss of function (LOF) is a known mechanism of disease.

Literature cited by the submitters: PubMed 21037274 (cited by Labcorp Genetics (formerly Invitae), Labcorp); PubMed 25217958 (cited by Labcorp Genetics (formerly Invitae), Labcorp).

NM_015559.3(SETBP1):c.2017_2018del (p.Lys673fs)

Gene: SETBP1 (SET binding protein 1; plus strand). Cytogenetic location: 18q12.3.
Variant type: Deletion.
Coding change: c.2017_2018del on transcript NM_015559.3 (MANE Select); coding-DNA positions 2017 to 2018, 2 bases deleted (AA; older notation c.2017_2018delAA).
Protein change: p.Lys673fs; shifts the reading frame from lysine 673.
Molecular consequence: frameshift variant.
Genome position (GRCh38, 1-based): chr18:44,951,357-44,951,358, AA deleted. VCF-style (leftmost placement, unchanged base first): chr18-44951356-CAA-C. GRCh37 (hg19) VCF-style: chr18-42531321-CAA-C.
Other names: short protein forms K673fs.
Identifiers: ClinVar variation 817491 (VCV000817491.6), dbSNP rs1599367726, ClinGen allele CA915952478.